The following is an entry in ClinVar:

NM_001009944.3(PKD1):c.6517G>A (p.Val2173Ile)

Gene: PKD1 (polycystin 1, transient receptor potential channel interacting; minus strand). Cytogenetic location: 16p13.3.
Variant type: single nucleotide variant.
Coding change: c.6517G>A on transcript NM_001009944.3 (MANE Select); coding-DNA position 6517, G replaced by A.
Protein change: p.Val2173Ile; replaces valine 2173 with isoleucine.
Molecular consequence: missense variant.
Genome position (GRCh38, 1-based): chr16:2,108,650, C>T on the plus strand (G>A on the coding strand, the complement: PKD1 is on the minus strand). VCF-style: chr16-2108650-C-T. GRCh37 (hg19) VCF-style: chr16-2158651-C-T.
Other names: c.6517G>A, p.Val2173Ile (NM_000296.4); c.6517G>A (NM_000296.3); short protein forms V2173I.
Identifiers: ClinVar variation 930795 (VCV000930795.4), dbSNP rs749619625, ClinGen allele CA7831576.
Genomic context (GRCh38, chr16:2,108,650, plus strand): 5'-CGGTGCGATACACCTCCCAGCGGTACTCAGTCTGGTAGGTGACGCAGTCGCGCAGGTCAA[C>T]GTGGGCCTCCAAGTAGTTGCGCTGTGATCGCCGCATCAGCACCTGCAGGGGCAGGACCAC-3'
Protein context (NP_001009944.3, residues 2163-2183): RSQRNYLEAH[Val2173Ile]DLRDCVTYQT

ClinVar aggregate classification (germline): Conflicting classifications of pathogenicity. Review status: criteria provided, conflicting classifications (1 of 4 stars). 2 submissions from 2 submitters: Uncertain significance (1); Likely benign (1). Last evaluated 2025-06-07.

Conditions:
Inborn genetic diseases. Identifiers: MedGen C0950123, MeSH D030342.
Polycystic kidney disease, adult type (PKD1). Also called: Polycystic Kidney, Autosomal Dominant; POLYCYSTIC KIDNEY DISEASE, ADULT, TYPE I; Polycystic Kidney Disease 1, Autosomal Dominant; Polycystic kidney disease 1; Polycystic kidney disease 1, severe; POLYCYSTIC KIDNEY DISEASE 1 WITH OR WITHOUT POLYCYSTIC LIVER DISEASE. Identifiers: MedGen C3149841, MONDO:0008263, OMIM 173900.

Allele frequency attached by ClinVar (database versions not stated): gnomAD 0.00001 and 0.00003; gnomAD exomes 0.00002; TOPMed 0.00005; ExAC 0.00013.
gnomAD v4.1: 28 of 1,562,568 alleles (0.0018%); highest among the groups gnomAD compares: African/African-American, 0.0027%; no homozygotes.

Submissions (2):

Ambry Genetics
Classification: Uncertain significance for Inborn genetic diseases. Last evaluated: 2025-06-07. Review status: criteria provided, single submitter. Criteria: Ambry Variant Classification Scheme 2023. Collection method: clinical testing. Allele origin: germline.

Centre for Mendelian Genomics, University Medical Centre Ljubljana
Classification: Likely benign for Polycystic kidney disease, adult type. Last evaluated: 2019-09-04. Review status: criteria provided, single submitter. Criteria: ACMG Guidelines, 2015. Collection method: clinical testing. Allele origin: unknown. Affected: yes.
Comment: This variant was classified as: Likely benign. The following ACMG criteria were applied in classifying this variant: PP4,BP4,BP5.